The following is an entry in ClinVar:

ClinVar aggregate classification (germline): Uncertain significance. Review status: criteria provided, multiple submitters, no conflicts (2 of 4 stars). 5 submissions from 5 submitters: Uncertain significance (5). Last evaluated 2025-05-05.

Conditions:
Hereditary cancer-predisposing syndrome. Also called: Hereditary Cancer Syndrome; Neoplastic Syndromes, Hereditary; Hereditary neoplastic syndrome; Tumor predisposition. Identifiers: Orphanet 140162, MedGen C0027672, MeSH D009386, MONDO:0015356.
Familial adenomatous polyposis 1 (FAP1). Also called: FAMILIAL ADENOMATOUS POLYPOSIS 1, ATTENUATED; POLYPOSIS, ADENOMATOUS INTESTINAL. Identifiers: MedGen C2713442, MONDO:0021056, OMIM 175100. Disease mechanism: loss of function.

Allele frequency attached by ClinVar (database versions not stated): gnomAD exomes below 0.00001; TOPMed below 0.00001.
gnomAD v4.1: 3 of 1,614,074 alleles (0.00019%); highest among the groups gnomAD compares: Non-Finnish European, 0.00025%; no homozygotes.

Submissions (5):

Ambry Genetics
Classification: Uncertain significance for Hereditary cancer-predisposing syndrome. Last evaluated: 2025-05-05. Review status: criteria provided, single submitter. Criteria: Ambry Variant Classification Scheme 2023. Collection method: clinical testing. Allele origin: germline.
Comment: The p.R2311T variant (also known as c.6932G>C), located in coding exon 15 of the APC gene, results from a G to C substitution at nucleotide position 6932. The arginine at codon 2311 is replaced by threonine, an amino acid with similar properties. This variant was identified in a cohort of Italian patients with colorectal polyps (Fasano C et al. Cancers (Basel), 2024 Oct;16:). This amino acid position is highly conserved in available vertebrate species. In addition, in silico predictors for this gene do not accurately predict pathogenicity. Missense alterations in APC are not a common cause of disease (Spier I et al. Genet Med. 2024 Feb;26(2):100992). Based on the available evidence, the clinical significance of this variant remains unclear.

Center for Genomic Medicine, Rigshospitalet, Copenhagen University Hospital
Classification: Uncertain significance. Last evaluated: 2025-03-04. Review status: criteria provided, single submitter. Criteria: ACMG Guidelines, 2015. Collection method: clinical testing. Allele origin: germline.

Labcorp Genetics (formerly Invitae), Labcorp
Classification: Uncertain significance for Familial adenomatous polyposis 1. Last evaluated: 2024-05-06. Review status: criteria provided, single submitter. Criteria: Invitae Variant Classification Sherloc (09022015). Collection method: clinical testing. Allele origin: germline.
Comment: This sequence change replaces arginine, which is basic and polar, with threonine, which is neutral and polar, at codon 2311 of the APC protein (p.Arg2311Thr). This variant is not present in population databases (gnomAD no frequency). This variant has not been reported in the literature in individuals affected with APC-related conditions. ClinVar contains an entry for this variant (Variation ID: 428174). Advanced modeling of protein sequence and biophysical properties (such as structural, functional, and spatial information, amino acid conservation, physicochemical variation, residue mobility, and thermodynamic stability) performed at Invitae indicates that this missense variant is not expected to disrupt APC protein function with a negative predictive value of 95%. In summary, the available evidence is currently insufficient to determine the role of this variant in disease. Therefore, it has been classified as a Variant of Uncertain Significance.

Color Diagnostics, LLC DBA Color Health
Classification: Uncertain significance for Hereditary cancer-predisposing syndrome. Last evaluated: 2023-04-24. Review status: criteria provided, single submitter. Criteria: ACMG Guidelines, 2015. Collection method: clinical testing. Allele origin: germline.
Comment: This missense variant replaces arginine with threonine at codon 2311 of the APC protein. Computational prediction is inconclusive regarding the impact of this variant on protein structure and function (internally defined REVEL score threshold 0.5 < inconclusive < 0.7, PMID: 27666373). To our knowledge, functional studies have not been reported for this variant. This variant has not been reported in individuals affected with APC-related disorders in the literature. This variant has not been identified in the general population by the Genome Aggregation Database (gnomAD). The available evidence is insufficient to determine the role of this variant in disease conclusively. Therefore, this variant is classified as a Variant of Uncertain Significance.

GeneDx
Classification: Uncertain significance. Last evaluated: 2023-02-07. Review status: criteria provided, single submitter. Criteria: GeneDx Variant Classification Process June 2021. Collection method: clinical testing. Allele origin: germline. Affected: yes.
Comment: Not observed at significant frequency in large population cohorts (gnomAD); In silico analysis supports that this missense variant does not alter protein structure/function; Has not been previously published as pathogenic or benign to our knowledge; This variant is associated with the following publications: (PMID: 31768066, 18199528)

Literature cited by the submitters: PubMed 39518056 (cited by Ambry Genetics).

NM_000038.6(APC):c.6932G>C (p.Arg2311Thr)

Gene: APC (APC regulator of Wnt signaling pathway; plus strand). Cytogenetic location: 5q22.2.
Variant type: single nucleotide variant.
Coding change: c.6932G>C on transcript NM_000038.6 (MANE Select); coding-DNA position 6932, G replaced by C.
Protein change: p.Arg2311Thr; replaces arginine 2311 with threonine.
Molecular consequence: missense variant.
Genome position (GRCh38, 1-based): chr5:112,842,526, G>C. VCF-style: chr5-112842526-G-C. GRCh37 (hg19) VCF-style: chr5-112178223-G-C.
Other names: c.6932G>C, p.Arg2311Thr (NM_001127510.3, NM_001354895.2); c.6878G>C, p.Arg2293Thr (NM_001127511.3); c.6986G>C, p.Arg2329Thr (NM_001354896.2); c.6962G>C, p.Arg2321Thr (NM_001354897.2); c.6857G>C, p.Arg2286Thr (NM_001354898.2); c.6848G>C, p.Arg2283Thr (NM_001354899.2); c.6809G>C, p.Arg2270Thr (NM_001354900.2); c.6755G>C, p.Arg2252Thr (NM_001354901.2); and 5 more; short protein forms R2293T, R2311T, R2151T, R2210T, R2270T, R2283T, R2329T, R2028T.
Identifiers: ClinVar variation 428174 (VCV000428174.22), dbSNP rs878853468, ClinGen allele CA16036449.
Genomic context (GRCh38, chr5:112,842,526, plus strand): 5'-AAATAGGTGGGTCAAGTAAAGCACCTTCTAGATCAGGATCTAGAGATTCGACCCCTTCAA[G>C]ACCTGCCCAGCAACCATTAAGTAGACCTATACAGTCTCCTGGCCGAAACTCAATTTCCCC-3'
Protein context (NP_000029.2, residues 2301-2321): RSGSRDSTPS[Arg2311Thr]PAQQPLSRPI